The following is an entry in ClinVar:

ClinVar aggregate classification (germline): Uncertain significance (1 of 4 stars; one submission).

Conditions:
Autosomal recessive polycystic kidney disease (ARPKD). Also called: AR polycystic kidney disease. Identifiers: Orphanet 731, Orphanet 8378, MedGen C0085548, MeSH D017044, MONDO:0009889.

gnomAD v4.1: 2 of 1,614,190 alleles (0.00012%); highest among the groups gnomAD compares: Non-Finnish European, 0.00017%; no homozygotes.

Submission:

Labcorp Genetics (formerly Invitae), Labcorp
Classification: Uncertain significance for Autosomal recessive polycystic kidney disease. Last evaluated: 2025-07-14. Review status: criteria provided, single submitter. Criteria: Invitae Variant Classification Sherloc (09022015). Collection method: clinical testing. Allele origin: germline.
Comment: This sequence change replaces proline, which is neutral and non-polar, with leucine, which is neutral and non-polar, at codon 1168 of the PKHD1 protein (p.Pro1168Leu). This variant is present in population databases (no rsID available, gnomAD 0.0009%). This variant has not been reported in the literature in individuals affected with PKHD1-related conditions. Invitae Evidence Modeling of protein sequence and biophysical properties (such as structural, functional, and spatial information, amino acid conservation, physicochemical variation, residue mobility, and thermodynamic stability) indicates that this missense variant is not expected to disrupt PKHD1 protein function with a negative predictive value of 95%. In summary, the available evidence is currently insufficient to determine the role of this variant in disease. Therefore, it has been classified as a Variant of Uncertain Significance.

NM_138694.4(PKHD1):c.3503C>T (p.Pro1168Leu)

Gene: PKHD1 (PKHD1 ciliary IPT domain containing fibrocystin/polyductin; minus strand). Cytogenetic location: 6p12.2.
Variant type: single nucleotide variant.
Coding change: c.3503C>T on transcript NM_138694.4 (MANE Select); coding-DNA position 3503, C replaced by T.
Protein change: p.Pro1168Leu; replaces proline 1168 with leucine.
Molecular consequence: missense variant.
Genome position (GRCh38, 1-based): chr6:52,028,213, G>A on the plus strand (C>T on the coding strand, the complement: PKHD1 is on the minus strand). VCF-style: chr6-52028213-G-A. GRCh37 (hg19) VCF-style: chr6-51893011-G-A.
Other names: c.3503C>T, p.Pro1168Leu (NM_170724.3); short protein forms P1168L.
Identifiers: ClinVar variation 4777947 (VCV004777947.1).
Genomic context (GRCh38, chr6:52,028,213, plus strand): 5'-CACCCTTGTGAGTGAATGCTGACCCCATTGATAGAGACGGAAATTCTGTGGAGACCAGCT[G>A]GCAGTGGGGGCAGTGCCACCTCCAGGCCCCAAGCCGACTGTGTGTGAACCGGAGCCAAGG-3'
Protein context (NP_619639.3, residues 1158-1178): WGLEVALPPL[Pro1168Leu]AGLHRISVSI